The following is an entry in ClinVar:

ClinVar aggregate classification (germline): Likely benign. Review status: criteria provided, single submitter (1 of 4 stars). 3 submissions from 3 submitters: Likely benign (1). 2 of the submissions do not count toward it. Last evaluated 2024-11-27.

Conditions:
SCAPER-related disorder. Also called: SCAPER-related condition.
Optic atrophy. Identifiers: MedGen C0029124, MONDO:0003608, HP:0000648.

Allele frequency attached by ClinVar (database versions not stated): ESP Exome Variant Server 0.00059; gnomAD exomes 0.00091; TOPMed 0.00092; gnomAD 0.00107; ExAC 0.00110.
gnomAD v4.1: 1,482 of 1,612,400 alleles (0.092%); highest among the groups gnomAD compares: Non-Finnish European, 0.097%; 6 homozygotes.

Submissions (3):

Blueprint Genetics
Classification: Likely benign. Last evaluated: 2024-11-27. Review status: criteria provided, single submitter. Criteria: ACMG Guidelines, 2015. Collection method: clinical testing. Allele origin: germline.

PreventionGenetics, part of Exact Sciences
Classification: Benign for SCAPER-related condition. Last evaluated: 2024-07-23. Review status: no assertion criteria provided. Collection method: clinical testing. Allele origin: germline. Not counted in ClinVar's aggregate classification.
Comment: This variant is classified as benign based on ACMG/AMP sequence variant interpretation guidelines (Richards et al. 2015 PMID: 25741868, with internal and published modifications).

Institute of Human Genetics, Univ. Regensburg, Univ. Regensburg
Classification: Uncertain significance for Optic atrophy. Last evaluated: 2022-01-01. Review status: no assertion criteria provided. Criteria: ACMG Guidelines, 2015. Collection method: clinical testing. Allele origin: germline. Affected: yes. Not counted in ClinVar's aggregate classification.

NM_020843.4(SCAPER):c.1496-9T>C

Gene: SCAPER (S-phase cyclin A associated protein in the ER; minus strand). Cytogenetic location: 15q24.3.
Variant type: single nucleotide variant.
Coding change: c.1496-9T>C on transcript NM_020843.4 (MANE Select); 9 bases into the intron before coding-DNA position 1496, T replaced by C.
Molecular consequence: intron variant.
Genome position (GRCh38, 1-based): chr15:76,765,463, A>G on the plus strand (T>C on the coding strand, the complement: SCAPER is on the minus strand). VCF-style: chr15-76765463-A-G. GRCh37 (hg19) VCF-style: chr15-77057804-A-G.
Other names: c.1112-9T>C (NM_001353011.2); c.1094-9T>C (NM_001353012.2, NM_001353010.2); c.1514-9T>C (NM_001353009.2); c.758-9T>C (NM_001145923.2).
Identifiers: ClinVar variation 3040698 (VCV003040698.4), dbSNP rs200793584, ClinGen allele CA7674937.